The following is an entry in ClinVar:

NM_000108.5(DLD):c.1236+7C>T

Gene: DLD (dihydrolipoamide dehydrogenase; plus strand). Cytogenetic location: 7q31.1.
Variant type: single nucleotide variant.
Coding change: c.1236+7C>T on transcript NM_000108.5 (MANE Select); 7 bases into the intron after coding-DNA position 1236, C replaced by T.
Molecular consequence: intron variant.
Genome position (GRCh38, 1-based): chr7:107,917,469, C>T. VCF-style: chr7-107917469-C-T. GRCh37 (hg19) VCF-style: chr7-107557914-C-T.
Other names: c.1092+7C>T (NM_001289752.1); c.1167+7C>T (NM_001289751.1); c.939+7C>T (NM_001289750.1).
Identifiers: ClinVar variation 509828 (VCV000509828.1), dbSNP rs1554400485, ClinGen allele CA658796992.

ClinVar aggregate classification (germline): Likely benign (1 of 4 stars; one submission).

Submission:

GeneDx
Classification: Likely benign. Last evaluated: 2017-06-02. Review status: criteria provided, single submitter. Criteria: GeneDx Variant Classification (06012015). Collection method: clinical testing. Allele origin: germline. Affected: yes.
Comment: This variant is considered likely benign or benign based on one or more of the following criteria: it is a conservative change, it occurs at a poorly conserved position in the protein, it is predicted to be benign by multiple in silico algorithms, and/or has population frequency not consistent with disease.